The following is an entry in ClinVar:

ClinVar aggregate classification (germline): Uncertain significance. Review status: criteria provided, multiple submitters, no conflicts (2 of 4 stars). 3 submissions from 3 submitters: Uncertain significance (3). Last evaluated 2025-05-07.

Conditions:
Long QT syndrome (LQTS). Identifiers: MedGen C0023976, MeSH D008133, MONDO:0002442. Disease mechanism: loss of function. Inheritance: Various modes of inheritance.
Familial hyperaldosteronism type III. Also called: FH III; Familial hyperaldosteronism type 3. Identifiers: Orphanet 251274, MedGen C3838758, MONDO:0013359, OMIM 613677.

Allele frequency attached by ClinVar (database versions not stated): TOPMed below 0.00001; gnomAD 0.00001; gnomAD exomes 0.00001.
gnomAD v4.1: 9 of 1,613,750 alleles (0.00056%); highest among the groups gnomAD compares: Non-Finnish European, 0.00076%; no homozygotes.

Submissions (3):

Labcorp Genetics (formerly Invitae), Labcorp
Classification: Uncertain significance for Long QT syndrome. Last evaluated: 2025-05-07. Review status: criteria provided, single submitter. Criteria: Invitae Variant Classification Sherloc (09022015). Collection method: clinical testing. Allele origin: germline.
Comment: This sequence change replaces arginine, which is basic and polar, with histidine, which is basic and polar, at codon 267 of the KCNJ5 protein (p.Arg267His). This variant is not present in population databases (gnomAD no frequency). This variant has not been reported in the literature in individuals affected with KCNJ5-related conditions. ClinVar contains an entry for this variant (Variation ID: 303631). Invitae Evidence Modeling of protein sequence and biophysical properties (such as structural, functional, and spatial information, amino acid conservation, physicochemical variation, residue mobility, and thermodynamic stability) indicates that this missense variant is not expected to disrupt KCNJ5 protein function with a negative predictive value of 80%. In summary, the available evidence is currently insufficient to determine the role of this variant in disease. Therefore, it has been classified as a Variant of Uncertain Significance.

Blueprint Genetics
Classification: Uncertain significance. Last evaluated: 2023-03-01. Review status: criteria provided, single submitter. Criteria: ACMG Guidelines, 2015. Collection method: clinical testing. Allele origin: germline.

Illumina Laboratory Services, Illumina
Classification: Uncertain significance for Familial hyperaldosteronism type III. Last evaluated: 2018-01-13. Review status: criteria provided, single submitter. Criteria: ICSL Variant Classification Criteria 13 December 2019. Collection method: clinical testing. Allele origin: germline.

NM_000890.5(KCNJ5):c.800G>A (p.Arg267His)

Gene: KCNJ5 (potassium inwardly rectifying channel subfamily J member 5; plus strand). Cytogenetic location: 11q24.3.
Variant type: single nucleotide variant.
Coding change: c.800G>A on transcript NM_000890.5 (MANE Select); coding-DNA position 800, G replaced by A.
Protein change: p.Arg267His; replaces arginine 267 with histidine.
Molecular consequence: missense variant.
Genome position (GRCh38, 1-based): chr11:128,912,073, G>A. VCF-style: chr11-128912073-G-A. GRCh37 (hg19) VCF-style: chr11-128781968-G-A.
Other names: c.800G>A, p.Arg267His (NM_001354169.2); c.800G>A (LRG_333t1); short protein forms R267H.
Identifiers: ClinVar variation 303631 (VCV000303631.10), dbSNP rs886048010, ClinGen allele CA10630413.